The following is an entry in ClinVar:

NM_138775.3(ALKBH8):c.1968C>G (p.Asn656Lys)

Gene: ALKBH8 (alkB homolog 8, tRNA methyltransferase; minus strand). Cytogenetic location: 11q22.3.
Variant type: single nucleotide variant.
Coding change: c.1968C>G on transcript NM_138775.3 (MANE Select); coding-DNA position 1968, C replaced by G.
Protein change: p.Asn656Lys; replaces asparagine 656 with lysine.
Molecular consequence: missense variant. On other transcripts: non-coding transcript variant (6).
Genome position (GRCh38, 1-based): chr11:107,504,685, G>C on the plus strand (C>G on the coding strand, the complement: ALKBH8 is on the minus strand). VCF-style: chr11-107504685-G-C. GRCh37 (hg19) VCF-style: chr11-107375411-G-C.
Other names: c.1968C>G, p.Asn656Lys (NM_001301010.3); c.1818C>G, p.Asn606Lys (NM_001378133.1); short protein forms N606K, N656K.
Identifiers: ClinVar variation 3254692 (VCV003254692.1), dbSNP rs2496310985.

ClinVar aggregate classification (germline): Uncertain significance (1 of 4 stars; one submission).

Conditions:
Intellectual developmental disorder, autosomal recessive 71. Also called: MENTAL RETARDATION, AUTOSOMAL RECESSIVE 71. Identifiers: MedGen C5193133, MONDO:0032789, OMIM 618504.

gnomAD v4.1: 1 of 1,549,060 alleles (0.000065%); highest among the groups gnomAD compares: South Asian, 0.0012%; no homozygotes.

Submission:

Victorian Clinical Genetics Services, Murdoch Childrens Research Institute
Classification: Uncertain significance for Intellectual developmental disorder, autosomal recessive 71. Last evaluated: 2023-07-17. Review status: criteria provided, single submitter. Criteria: ACMG Guidelines, 2015. Collection method: clinical testing. Allele origin: germline. Inheritance: Autosomal recessive inheritance. Affected: yes.
Comment: Based on the classification scheme VCGS_Germline_v1.3.4, this variant is classified as VUS-3B. Following criteria are met: 0102 - Loss of function is a known mechanism of disease in this gene and is associated with intellectual developmental disorder, autosomal recessive 71 (MIM#618504). (I) 0106 - This gene is associated with autosomal recessive disease. (I) 0200 - Variant is predicted to result in a missense amino acid change from asparagine to lysine. (I) 0252 - This variant is homozygous. (I) 0301 - Variant is absent from gnomAD (both v2 and v3). (SP) 0309 - An alternative amino acid change at the same position has been observed in gnomAD (v2) (1 heterozygote, 0 homozygotes). (I) 0502 - Missense variant with conflicting in silico predictions and uninformative conservation. (I) 0604 - Variant is not located in an established domain, motif, hotspot or informative constraint region. (I) 0710 - Another missense variant comparable to the one identified in this case has inconclusive previous evidence for pathogenicity. This alternative change (p.(Asn656His)) has been reported as a VUS (ClinVar). (I) 0807 - This variant has no previous evidence of pathogenicity. (I) 0905 - No published segregation evidence has been identified for this variant. (I) 1007 - No published functional evidence has been identified for this variant. (I) 1208 - Inheritance information for this variant is not currently available in this individual. (I) Legend: (SP) - Supporting pathogenic, (I) - Information, (SB) - Supporting benign